The following is an entry in ClinVar:

ClinVar aggregate classification (germline): Uncertain significance (1 of 4 stars; one submission).

Submission:

Labcorp Genetics (formerly Invitae), Labcorp
Classification: Uncertain significance. Last evaluated: 2025-06-12. Review status: criteria provided, single submitter. Criteria: Invitae Variant Classification Sherloc (09022015). Collection method: clinical testing. Allele origin: germline.
Comment: This sequence change falls in intron 5 of the ARHGAP24 gene. It does not directly change the encoded amino acid sequence of the ARHGAP24 protein. Information on the frequency of this variant in the gnomAD database is not available, as this variant may be reported differently in the database. This variant has not been reported in the literature in individuals affected with ARHGAP24-related conditions. ClinVar contains an entry for this variant (Variation ID: 2106336). Experimental studies and prediction algorithms are not available or were not evaluated, and the effect of this variant on mRNA splicing is currently unknown. In summary, the available evidence is currently insufficient to determine the role of this variant in disease. Therefore, it has been classified as a Variant of Uncertain Significance.

NM_001025616.3(ARHGAP24):c.600-5_600-4delinsTC

Gene: ARHGAP24 (Rho GTPase activating protein 24; plus strand). Cytogenetic location: 4q21.23.
Variant type: Indel.
Coding change: c.600-5_600-4delinsTC on transcript NM_001025616.3 (MANE Select); 5 bases into the intron before coding-DNA position 600 through 4 bases into the intron before coding-DNA position 600, CA replaced by TC.
Molecular consequence: intron variant.
Genome position (GRCh38, 1-based): chr4:85,972,031-85,972,032, CA replaced by TC. VCF-style: chr4-85972031-CA-TC. GRCh37 (hg19) VCF-style: chr4-86893184-CA-TC.
Other names: c.315-5_315-4delinsTC (NM_001042669.2); c.21-5_21-4delinsTC (NM_001346093.2); c.345-5_345-4delinsTC (NM_001287805.2); c.321-5_321-4delinsTC (NM_031305.3).
Identifiers: ClinVar variation 2106336 (VCV002106336.4), dbSNP rs2546176453, ClinGen allele CA2580071853.